The following is an entry in ClinVar:

NM_001041.4(SI):c.1780T>C (p.Ser594Pro)

Gene: SI (sucrase-isomaltase; minus strand). Cytogenetic location: 3q26.1.
Variant type: single nucleotide variant.
Coding change: c.1780T>C on transcript NM_001041.4 (MANE Select); coding-DNA position 1780, T replaced by C.
Protein change: p.Ser594Pro; replaces serine 594 with proline.
Molecular consequence: missense variant.
Genome position (GRCh38, 1-based): chr3:165,046,948, A>G on the plus strand (T>C on the coding strand, the complement: SI is on the minus strand). VCF-style: chr3-165046948-A-G. GRCh37 (hg19) VCF-style: chr3-164764736-A-G.
Other names: short protein forms S594P.
Identifiers: ClinVar variation 1489039 (VCV001489039.5), dbSNP rs765433197, ClinGen allele CA2690947.
Genomic context (GRCh38, chr3:165,046,948, plus strand): 5'-ATTCCATTTGTTCCCATGAAGCAGTATTGTCTCCTAACCAATGCGCAGCATGTCTTCCAG[A>G]TCCAGCAAATGTTGAGCGGGTAAGAATGAAGCTTCTCTTATTAGGAAAAACTTTTTGTAC-3'
Protein context (NP_001032.2, residues 584-604): FILTRSTFAG[Ser594Pro]GRHAAHWLGD

ClinVar aggregate classification (germline): Uncertain significance (1 of 4 stars; one submission).

Allele frequency attached by ClinVar (database versions not stated): ExAC 0.00002; gnomAD exomes 0.00003 and 0.00004; gnomAD 0.00004; TOPMed 0.00005.

Submission:

Labcorp Genetics (formerly Invitae), Labcorp
Classification: Uncertain significance. Last evaluated: 2022-02-03. Review status: criteria provided, single submitter. Criteria: Invitae Variant Classification Sherloc (09022015). Collection method: clinical testing. Allele origin: germline.
Comment: This sequence change replaces serine, which is neutral and polar, with proline, which is neutral and non-polar, at codon 594 of the SI protein (p.Ser594Pro). This variant is present in population databases (rs765433197, gnomAD 0.01%). This missense change has been observed in individual(s) with clinical features of sucrase-isomaltase deficiency (PMID: 16329100). Advanced modeling of protein sequence and biophysical properties (such as structural, functional, and spatial information, amino acid conservation, physicochemical variation, residue mobility, and thermodynamic stability) performed at Invitae indicates that this missense variant is expected to disrupt SI protein function. Experimental studies have shown that this missense change affects SI function (PMID: 28062276). In summary, the available evidence is currently insufficient to determine the role of this variant in disease. Therefore, it has been classified as a Variant of Uncertain Significance.

Literature cited by the submitters: PubMed 16329100; PubMed 28062276.